The following is an entry in ClinVar:

NM_182914.3(SYNE2):c.11336A>G (p.Gln3779Arg)

Gene: SYNE2 (spectrin repeat containing nuclear envelope protein 2; plus strand). Cytogenetic location: 14q23.2.
Variant type: single nucleotide variant.
Coding change: c.11336A>G on transcript NM_182914.3 (MANE Select); coding-DNA position 11336, A replaced by G.
Protein change: p.Gln3779Arg; replaces glutamine 3779 with arginine.
Molecular consequence: missense variant.
Genome position (GRCh38, 1-based): chr14:64,080,628, A>G. VCF-style: chr14-64080628-A-G. GRCh37 (hg19) VCF-style: chr14-64547346-A-G.
Other names: c.11336A>G, p.Gln3779Arg (NM_015180.6); short protein forms Q3779R.
Identifiers: ClinVar variation 470916 (VCV000470916.7), dbSNP rs538884693, ClinGen allele CA7221751.

ClinVar aggregate classification (germline): Uncertain significance (1 of 4 stars; one submission).

Conditions:
Emery-Dreifuss muscular dystrophy 5, autosomal dominant (EDMD5). Also called: EMERY-DREIFUSS MUSCULAR DYSTROPHY 5. Identifiers: Orphanet 261, MedGen C2751805, MONDO:0013072, OMIM 612999.

Allele frequency attached by ClinVar (database versions not stated): gnomAD exomes below 0.00001 and 0.00001; TOPMed 0.00001; ExAC 0.00002; gnomAD 0.00003; 1000 Genomes Project 30x 0.00016; 1000 Genomes Project 0.00020.
gnomAD v4.1: 14 of 1,614,124 alleles (0.00087%); highest among the groups gnomAD compares: Admixed American, 0.02%; no homozygotes.

Submission:

Labcorp Genetics (formerly Invitae), Labcorp
Classification: Uncertain significance for Emery-Dreifuss muscular dystrophy 5, autosomal dominant. Last evaluated: 2021-08-24. Review status: criteria provided, single submitter. Criteria: Invitae Variant Classification Sherloc (09022015). Collection method: clinical testing. Allele origin: germline.
Comment: This sequence change replaces glutamine with arginine at codon 3779 of the SYNE2 protein (p.Gln3779Arg). The glutamine residue is weakly conserved and there is a small physicochemical difference between glutamine and arginine. This variant is present in population databases (rs538884693, ExAC 0.02%). This variant has not been reported in the literature in individuals affected with SYNE2-related conditions. Algorithms developed to predict the effect of missense changes on protein structure and function are either unavailable or do not agree on the potential impact of this missense change (SIFT: "Deleterious"; PolyPhen-2: "Possibly Damaging"; Align-GVGD: "Class C0"). In summary, the available evidence is currently insufficient to determine the role of this variant in disease. Therefore, it has been classified as a Variant of Uncertain Significance.